The following is an entry in ClinVar:

NM_004793.4(LONP1):c.2161C>T (p.Arg721Trp)

Gene: LONP1 (lon peptidase 1, mitochondrial; minus strand). Cytogenetic location: 19p13.3.
Variant type: single nucleotide variant.
Coding change: c.2161C>T on transcript NM_004793.4 (MANE Select); coding-DNA position 2161, C replaced by T.
Protein change: p.Arg721Trp; replaces arginine 721 with tryptophan.
Molecular consequence: missense variant. On other transcripts: non-coding transcript variant (1).
Genome position (GRCh38, 1-based): chr19:5,694,546, G>A on the plus strand (C>T on the coding strand, the complement: LONP1 is on the minus strand). VCF-style: chr19-5694546-G-A. GRCh37 (hg19) VCF-style: chr19-5694557-G-A.
Other names: c.1969C>T, p.Arg657Trp (NM_001276479.2); c.1573C>T, p.Arg525Trp (NM_001276480.1); short protein forms R657W, R721W, R525W.
Identifiers: ClinVar variation 1972602 (VCV001972602.5), dbSNP rs147588238, ClinGen allele CA9114236.

ClinVar aggregate classification (germline): Uncertain significance (1 of 4 stars; one submission).

gnomAD v4.1: 7 of 1,612,092 alleles (0.00043%); highest among the groups gnomAD compares: East Asian, 0.0022%; no homozygotes.

Submission:

Labcorp Genetics (formerly Invitae), Labcorp
Classification: Uncertain significance. Last evaluated: 2023-07-07. Review status: criteria provided, single submitter. Criteria: Invitae Variant Classification Sherloc (09022015). Collection method: clinical testing. Allele origin: germline.
Comment: ClinVar contains an entry for this variant (Variation ID: 1972602). In summary, the available evidence is currently insufficient to determine the role of this variant in disease. Therefore, it has been classified as a Variant of Uncertain Significance. Advanced modeling of protein sequence and biophysical properties (such as structural, functional, and spatial information, amino acid conservation, physicochemical variation, residue mobility, and thermodynamic stability) performed at Invitae indicates that this missense variant is expected to disrupt LONP1 protein function. This variant has not been reported in the literature in individuals affected with LONP1-related conditions. This variant is present in population databases (rs147588238, gnomAD 0.002%). This sequence change replaces arginine, which is basic and polar, with tryptophan, which is neutral and slightly polar, at codon 721 of the LONP1 protein (p.Arg721Trp).